The following is an entry in ClinVar:

ClinVar aggregate classification (germline): Uncertain significance (1 of 4 stars; one submission).

Submission:

Ambry Genetics
Classification: Uncertain significance. Last evaluated: 2025-06-01. Review status: criteria provided, single submitter. Criteria: Ambry Variant Classification Scheme 2023. Collection method: clinical testing. Allele origin: germline.
Comment: The p.S176T variant (also known as c.527G>C), located in coding exon 1 of the MC1R gene, results from a G to C substitution at nucleotide position 527. The serine at codon 176 is replaced by threonine, an amino acid with similar properties. This amino acid position is conserved. In addition, this alteration is predicted to be tolerated by in silico analysis. Based on the available evidence, the clinical significance of this variant remains unclear.

NM_002386.4(MC1R):c.527G>C (p.Ser176Thr)

Gene: MC1R (melanocortin 1 receptor; plus strand). Cytogenetic location: 16q24.3.
Variant type: single nucleotide variant.
Coding change: c.527G>C on transcript NM_002386.4 (MANE Select); coding-DNA position 527, G replaced by C.
Protein change: p.Ser176Thr; replaces serine 176 with threonine.
Molecular consequence: missense variant.
Genome position (GRCh38, 1-based): chr16:89,919,785, G>C. VCF-style: chr16-89919785-G-C. GRCh37 (hg19) VCF-style: chr16-89986193-G-C.
Other names: short protein forms S176T.
Identifiers: ClinVar variation 4052438 (VCV004052438.1).